The following is an entry in ClinVar:

ClinVar aggregate classification (germline): Uncertain significance (1 of 4 stars; one submission).

Conditions:
Complement component 3 deficiency. Identifiers: Orphanet 280133, MedGen C3151071, MONDO:0013417, OMIM 613779.
C3 glomerulonephritis. Also called: Nephropathy due to CFHR5 Deficiency; C3 GLOMERULOPATHY 3. Identifiers: Orphanet 329931, MedGen C4055342, MONDO:0013892, OMIM 614809.
Atypical hemolytic-uremic syndrome. Identifiers: Orphanet 2134, MedGen C2931788, MONDO:0016244.

Submission:

Genomenon, Inc
Classification: Uncertain significance for Complement component 3 deficiency; C3 glomerulonephritis; Atypical hemolytic-uremic syndrome. Last evaluated: 2025-09-30. Review status: criteria provided, single submitter. Criteria: Genomenon Sequence Variant Interpretation Standards. Collection method: curation. Allele origin: germline. Affected: no.
Comment: C3 p.Asp777Ala (c.2330A>C) is a missense variant that changes the amino acid at residue 777 from Aspartic acid to Alanine. This variant has been reported in the published literature (PMID:9988761). It is absent or not present at a significant frequency in gnomAD. In silico models agree that this variant is not damaging. In conclusion, we classify C3 p.Asp777Ala (c.2330A>C) as a variant of unknown significance.

Literature cited by the submitters: PubMed 9988761.

NM_000064.4(C3):c.2330A>C (p.Asp777Ala)

Gene: C3 (complement C3; minus strand). Cytogenetic location: 19p13.3.
Variant type: single nucleotide variant.
Coding change: c.2330A>C on transcript NM_000064.4 (MANE Select); coding-DNA position 2330, A replaced by C.
Protein change: p.Asp777Ala; replaces aspartic acid 777 with alanine.
Molecular consequence: missense variant.
Genome position (GRCh38, 1-based): chr19:6,702,495, T>G on the plus strand (A>C on the coding strand, the complement: C3 is on the minus strand). VCF-style: chr19-6702495-T-G. GRCh37 (hg19) VCF-style: chr19-6702506-T-G.
Other names: short protein forms D777A.
Identifiers: ClinVar variation 4280164 (VCV004280164.1).
Genomic context (GRCh38, chr19:6,702,495, plus strand): 5'-CTGGGGTGGGTTGTACCGGGGGTACCCCGGCCTTACCCATTTTTCGGTGGCTCTTTCAAG[T>G]CCTCAACGTTCCACAGCCAGCTCTCTGGGAACTCACTTCGGGAAACGATGTTCTCTTCTG-3'
Protein context (NP_000055.2, residues 767-787): FPESWLWNVE[Asp777Ala]LKEPPKNGIS